The following is an entry in ClinVar:

NM_139058.3(ARX):c.197-4_197-3delinsAA

Gene: ARX (aristaless related homeobox; minus strand). Cytogenetic location: Xp21.3.
Variant type: Indel.
Coding change: c.197-4_197-3delinsAA on transcript NM_139058.3 (MANE Select); 4 bases into the intron before coding-DNA position 197 through 3 bases into the intron before coding-DNA position 197, GC replaced by AA.
Molecular consequence: intron variant.
Genome position (GRCh38, 1-based): chrX:25,013,801-25,013,802, GC replaced by TT on the plus strand (GC replaced by AA on the coding strand, the reverse complement: ARX is on the minus strand). VCF-style: chrX-25013801-GC-TT. GRCh37 (hg19) VCF-style: chrX-25031918-GC-TT.
Identifiers: ClinVar variation 4890729 (VCV004890729.1).

ClinVar aggregate classification (germline): Uncertain significance (1 of 4 stars; one submission).

Conditions:
Developmental and epileptic encephalopathy, 1 (DEE1). Also called: Tonic spasms with clustering, arrest of psychomotor development and hypsarrhythmia on EEG; X-Linked Infantile Spasm Syndrome; X-linked infantile spasms; West's syndrome; OHTAHARA SYNDROME, X-LINKED; INFANTILE SPASM SYNDROME, X-LINKED 1. Identifiers: MedGen C3463992, MONDO:0010632, OMIM 308350. Disease mechanism: loss of function.

Submission:

Institute of Human Genetics, University of Leipzig Medical Center
Classification: Uncertain significance for Developmental and epileptic encephalopathy, 1. Last evaluated: 2026-08-31. Review status: criteria provided, single submitter. Criteria: ACMG Guidelines, 2015. Collection method: clinical testing. Allele origin: unknown. Inheritance: X-linked dominant inheritance. Affected: yes.
Comment: Criteria applied: PM2,PP3